The following is an entry in ClinVar:

ClinVar aggregate classification (germline): Uncertain significance. Review status: criteria provided, multiple submitters, no conflicts (2 of 4 stars). 2 submissions from 2 submitters: Uncertain significance (2). Last evaluated 2024-03-01.

Conditions:
Inborn genetic diseases. Identifiers: MedGen C0950123, MeSH D030342.

Allele frequency attached by ClinVar (database versions not stated): TOPMed 0.00001.
gnomAD v4.1: 3 of 1,612,112 alleles (0.00019%); highest among the groups gnomAD compares: Non-Finnish European, 0.00025%; no homozygotes.

Submissions (2):

Ambry Genetics
Classification: Uncertain significance for Inborn genetic diseases. Last evaluated: 2024-03-01. Review status: criteria provided, single submitter. Criteria: Ambry Variant Classification Scheme 2023. Collection method: clinical testing. Allele origin: germline.

Labcorp Genetics (formerly Invitae), Labcorp
Classification: Uncertain significance. Last evaluated: 2022-02-09. Review status: criteria provided, single submitter. Criteria: Invitae Variant Classification Sherloc (09022015). Collection method: clinical testing. Allele origin: germline.
Comment: This sequence change replaces proline, which is neutral and non-polar, with alanine, which is neutral and non-polar, at codon 1123 of the MPDZ protein (p.Pro1123Ala). This variant is not present in population databases (gnomAD no frequency). This variant has not been reported in the literature in individuals affected with MPDZ-related conditions. Algorithms developed to predict the effect of missense changes on protein structure and function are either unavailable or do not agree on the potential impact of this missense change (SIFT: "Deleterious"; PolyPhen-2: "Benign"; Align-GVGD: "Class C25"). In summary, the available evidence is currently insufficient to determine the role of this variant in disease. Therefore, it has been classified as a Variant of Uncertain Significance.

NM_001378778.1(MPDZ):c.3367C>G (p.Pro1123Ala)

Gene: MPDZ (multiple PDZ domain crumbs cell polarity complex component; minus strand). Cytogenetic location: 9p23.
Variant type: single nucleotide variant.
Coding change: c.3367C>G on transcript NM_001378778.1 (MANE Select); coding-DNA position 3367, C replaced by G.
Protein change: p.Pro1123Ala; replaces proline 1123 with alanine.
Molecular consequence: missense variant. On other transcripts: intron variant (1).
Genome position (GRCh38, 1-based): chr9:13,158,103, G>C on the plus strand (C>G on the coding strand, the complement: MPDZ is on the minus strand). VCF-style: chr9-13158103-G-C. GRCh37 (hg19) VCF-style: chr9-13158102-G-C.
Other names: c.3367C>G, p.Pro1123Ala (NM_001261406.2, NM_001261407.2, NM_001330637.2 and 13 more transcripts); c.3255-7415C>G (NM_001375427.1); c.3367C>G (NM_003829.3); short protein forms P1123A.
Identifiers: ClinVar variation 2088751 (VCV002088751.5), dbSNP rs1950042305, ClinGen allele CA372951487.